The following is an entry in ClinVar:

ClinVar aggregate classification (germline): Uncertain significance (1 of 4 stars; one submission).

Conditions:
Familial acute necrotizing encephalopathy (IIAE3). Also called: Susceptibility to Acute Necrotizing Encephalopathy 1; ENCEPHALOPATHY, ACUTE, INFECTION-INDUCED, SUSCEPTIBILITY TO, 3. Identifiers: Orphanet 88619, MedGen C2675556, MONDO:0011953, OMIM 608033.

Submission:

Labcorp Genetics (formerly Invitae), Labcorp
Classification: Uncertain significance for Familial acute necrotizing encephalopathy. Last evaluated: 2022-06-20. Review status: criteria provided, single submitter. Criteria: Invitae Variant Classification Sherloc (09022015). Collection method: clinical testing. Allele origin: germline.
Comment: In summary, the available evidence is currently insufficient to determine the role of this variant in disease. Therefore, it has been classified as a Variant of Uncertain Significance. ClinVar contains an entry for this variant (Variation ID: 469466). This variant has not been reported in the literature in individuals affected with RANBP2-related conditions. This variant is not present in population databases (gnomAD no frequency). This variant, c.4997_4999del, results in the deletion of 1 amino acid(s) of the RANBP2 protein (p.Glu1666del), but otherwise preserves the integrity of the reading frame.

NM_006267.5(RANBP2):c.4994AGG[1] (p.Glu1666del)

Gene: RANBP2 (RAN binding protein 2; plus strand). Cytogenetic location: 2q13.
Variant type: Microsatellite.
Coding change: c.4994AGG[1] on transcript NM_006267.5 (MANE Select); one copy of the 3-base unit AGG starting at c.4994; the reference has two copies in a row; one copy, 3 bases deleted.
Protein change: p.Glu1666del; deletes glutamic acid 1666.
Molecular consequence: inframe deletion.
Genome position (GRCh38, 1-based): chr2:108,765,536-108,765,538, AGG deleted; deleting any 3 consecutive bases within chr2:108,765,533-108,765,538 gives the same sequence; the position shown is the placement nearest the transcript's 3' end. VCF-style (leftmost placement, unchanged base first): chr2-108765532-AAGG-A. GRCh37 (hg19) VCF-style: chr2-109381988-AAGG-A.
Other names: short protein forms E1666del.
Identifiers: ClinVar variation 469466 (VCV000469466.9), dbSNP rs1553496202, ClinGen allele CA658657056.